The following is an entry in ClinVar:

NM_000257.4(MYH7):c.3730A>C (p.Asn1244His)

Gene: MYH7 (myosin heavy chain 7; minus strand). Cytogenetic location: 14q11.2.
Variant type: single nucleotide variant.
Coding change: c.3730A>C on transcript NM_000257.4 (MANE Select); coding-DNA position 3730, A replaced by C.
Protein change: p.Asn1244His; replaces asparagine 1244 with histidine.
Molecular consequence: missense variant.
Genome position (GRCh38, 1-based): chr14:23,419,606, T>G on the plus strand (A>C on the coding strand, the complement: MYH7 is on the minus strand). VCF-style: chr14-23419606-T-G. GRCh37 (hg19) VCF-style: chr14-23888815-T-G.
Other names: c.3730A>C (LRG_384t1); short protein forms N1244H.
Identifiers: ClinVar variation 191729 (VCV000191729.17), dbSNP rs200746981, ClinGen allele CA014003.

ClinVar aggregate classification (germline): Uncertain significance. Review status: criteria provided, multiple submitters, no conflicts (2 of 4 stars). 6 submissions from 6 submitters: Uncertain significance (6). Last evaluated 2026-01-19.

Conditions:
Cardiovascular phenotype. Identifiers: MedGen CN230736.
Cardiomyopathy (CMYO). Also called: Cardiomyopathies. Identifiers: Orphanet 167848, MedGen C0878544, MONDO:0004994, HP:0001638. Inheritance: Various modes of inheritance.
Hypertrophic cardiomyopathy. Also called: HYPERTROPHIC MYOCARDIOPATHY. Identifiers: Orphanet 217569, MedGen C0007194, MeSH D002312, MONDO:0005045, HP:0001639.

Allele frequency attached by ClinVar (database versions not stated): ExAC 0.00001; gnomAD exomes 0.00001.

Submissions (6):

Labcorp Genetics (formerly Invitae), Labcorp
Classification: Uncertain significance for Hypertrophic cardiomyopathy. Last evaluated: 2026-01-19. Review status: criteria provided, single submitter. Criteria: Invitae Variant Classification Sherloc (09022015). Collection method: clinical testing. Allele origin: germline.
Comment: This sequence change replaces asparagine, which is neutral and polar, with histidine, which is basic and polar, at codon 1244 of the MYH7 protein (p.Asn1244His). This variant is present in population databases (rs200746981, gnomAD 0.002%). This missense change has been observed in individual(s) with hypertrophic cardiomyopathy (PMID: 33495596, 37652022). ClinVar contains an entry for this variant (Variation ID: 191729). Invitae Evidence Modeling of protein sequence and biophysical properties (such as structural, functional, and spatial information, amino acid conservation, physicochemical variation, residue mobility, and thermodynamic stability) indicates that this missense variant is expected to disrupt MYH7 protein function with a positive predictive value of 95%. In summary, the available evidence is currently insufficient to determine the role of this variant in disease. Therefore, it has been classified as a Variant of Uncertain Significance.

Color Diagnostics, LLC DBA Color Health
Classification: Uncertain significance for Cardiomyopathy. Last evaluated: 2025-11-20. Review status: criteria provided, single submitter. Criteria: ACMG Guidelines, 2015. Collection method: clinical testing. Allele origin: germline.
Comment: This missense variant replaces asparagine with histidine at codon 1244 of the MYH7 protein. Computational prediction is inconclusive regarding the impact of this variant on protein structure and function. To our knowledge, functional studies have not been reported for this variant. This variant has been reported in an individual affected with hypertrophic cardiomyopathy (PMID: 33495596, 33495597). This variant has been identified in 11/1613114 chromosomes in the general population by the Genome Aggregation Database (gnomAD). The available evidence is insufficient to determine the role of this variant in disease conclusively. Therefore, this variant is classified as a Variant of Uncertain Significance.

Ambry Genetics
Classification: Uncertain significance for Cardiovascular phenotype. Last evaluated: 2025-07-08. Review status: criteria provided, single submitter. Criteria: Ambry Variant Classification Scheme 2023. Collection method: clinical testing. Allele origin: germline.
Comment: The p.N1244H variant (also known as c.3730A>C), located in coding exon 26 of the MYH7 gene, results from an A to C substitution at nucleotide position 3730. The asparagine at codon 1244 is replaced by histidine, an amino acid with similar properties. This amino acid position is highly conserved in available vertebrate species. In addition, the in silico prediction for this alteration is inconclusive. Based on the available evidence, the clinical significance of this variant remains unclear.

All of Us Research Program, National Institutes of Health
Classification: Uncertain significance for Cardiomyopathy. Last evaluated: 2024-07-29. Review status: criteria provided, single submitter. Criteria: ACMG Guidelines, 2015. Collection method: clinical testing. Allele origin: germline. Inheritance: Autosomal dominant inheritance. Observed: 7 variant alleles, 7 heterozygotes.
Comment: This missense variant replaces asparagine with histidine at codon 1244 of the MYH7 protein. Computational prediction is inconclusive regarding the impact of this variant on protein structure and function (internally defined REVEL score threshold 0.5 < inconclusive < 0.7, PMID: 27666373). To our knowledge, functional studies have not been reported for this variant. This variant has been reported in an individual affected with hypertrophic cardiomyopathy (PMID: 33495596). This variant has been identified in 2/251264 chromosomes in the general population by the Genome Aggregation Database (gnomAD). The available evidence is insufficient to determine the role of this variant in disease conclusively. Therefore, this variant is classified as a Variant of Uncertain Significance.

This study involves interpretation of variants in research participants for the purpose of population health screening. Participant phenotype was not available at the time of variant classification. Additional details can be found in publication PMID: 35346344, PMCID: PMC8962531

GeneDx
Classification: Uncertain significance. Last evaluated: 2022-12-14. Review status: criteria provided, single submitter. Criteria: GeneDx Variant Classification Process June 2021. Collection method: clinical testing. Allele origin: germline. Affected: yes.
Comment: Has not been previously published as pathogenic or benign in association with an MYH7-related disorder to our knowledge; Not observed at significant frequency in large population cohorts (gnomAD); In silico analysis supports that this missense variant has a deleterious effect on protein structure/function; This variant is associated with the following publications: (PMID: 34542152, 23861362)

Biesecker Lab/Clinical Genomics Section, National Institutes of Health
Classification: Uncertain significance. Last evaluated: 2013-06-24. Review status: criteria provided, single submitter. Criteria: Ng et al. (Circ Cardiovasc Genet. 2013). Collection method: research. Allele origin: unknown. Observed: 1 variant allele. Study: ClinSeq.
Comment: The study set was not selected for affection status in relation to any cancer. Pathogenicity categories were based on literature curation. See Pubmed ID:23861362 for details.

Medical sequencing

Literature cited by the submitters: PubMed 33495596 (cited by 3 submitters); PubMed 37652022 (cited by Labcorp Genetics (formerly Invitae), Labcorp); PubMed 33495597 (cited by Color Diagnostics, LLC DBA Color Health).